The following is an entry in ClinVar:

NM_138775.3(ALKBH8):c.314T>G (p.Val105Gly)

Gene: ALKBH8 (alkB homolog 8, tRNA methyltransferase; minus strand). Cytogenetic location: 11q22.3.
Variant type: single nucleotide variant.
Coding change: c.314T>G on transcript NM_138775.3 (MANE Select); coding-DNA position 314, T replaced by G.
Protein change: p.Val105Gly; replaces valine 105 with glycine.
Molecular consequence: missense variant. On other transcripts: non-coding transcript variant (6).
Genome position (GRCh38, 1-based): chr11:107,556,819, A>C on the plus strand (T>G on the coding strand, the complement: ALKBH8 is on the minus strand). VCF-style: chr11-107556819-A-C. GRCh37 (hg19) VCF-style: chr11-107427545-A-C.
Other names: c.314T>G, p.Val105Gly (NM_001301010.3, NM_001378133.1); short protein forms V105G.
Identifiers: ClinVar variation 3856690 (VCV003856690.2).

ClinVar aggregate classification (germline): Uncertain significance. Review status: criteria provided, multiple submitters, no conflicts (2 of 4 stars). 2 submissions from 2 submitters: Uncertain significance (2). Last evaluated 2026-03-25.

gnomAD v4.1: 71 of 1,501,436 alleles (0.0047%); highest among the groups gnomAD compares: African/African-American, 0.1%; no homozygotes.

Submissions (2):

GeneDx
Classification: Uncertain significance. Last evaluated: 2026-03-25. Review status: criteria provided, single submitter. Criteria: GeneDx Variant Classification Process June 2021. Collection method: clinical testing. Allele origin: germline.
Comment: In silico analysis supports that this missense variant has a deleterious effect on protein structure/function; Has not been previously published as pathogenic or benign to our knowledge

Ambry Genetics
Classification: Uncertain significance. Last evaluated: 2025-01-07. Review status: criteria provided, single submitter. Criteria: Ambry Variant Classification Scheme 2023. Collection method: clinical testing. Allele origin: germline.